The following is an entry in ClinVar:

ClinVar aggregate classification (germline): Conflicting classifications of pathogenicity. Review status: criteria provided, conflicting classifications (1 of 4 stars). 4 submissions from 1 submitter: Uncertain significance (2); Likely benign (2). Last evaluated 2018-01-13.

Conditions:
Retinal macular dystrophy type 2 (MCDR2). Also called: Bull's eye macular dystrophy. Identifiers: Orphanet 319640, MedGen C4749334, MONDO:0011957, OMIM 608051.
Stargardt disease 4 (STGD4). Identifiers: Orphanet 827, MedGen C1863534, MONDO:0011370, OMIM 603786.
Retinitis pigmentosa (RP). Identifiers: Orphanet 791, MedGen C0035334, MeSH D012174, MONDO:0019200, OMIM 268000. Inheritance: Autosomal dominant, autosomal recessive and X linked inheritance.
Cone-rod dystrophy 12 (CORD12). Identifiers: Orphanet 1872, MedGen C2675210, MONDO:0012983, OMIM 612657.

Allele frequency attached by ClinVar (database versions not stated): gnomAD 0.00003; gnomAD exomes 0.00003; TOPMed 0.00003; ExAC 0.00011.
gnomAD v4.1: 26 of 1,462,480 alleles (0.0018%); highest among the groups gnomAD compares: South Asian, 0.0015%; no homozygotes.

Submissions (4):

Illumina Laboratory Services, Illumina
Classification: Uncertain significance for Retinal macular dystrophy type 2. Last evaluated: 2018-01-13. Review status: criteria provided, single submitter. Criteria: ICSL Variant Classification Criteria 13 December 2019. Collection method: clinical testing. Allele origin: germline.

Illumina Laboratory Services, Illumina
Classification: Likely benign for Stargardt disease 4. Last evaluated: 2018-01-13. Review status: criteria provided, single submitter. Criteria: ICSL Variant Classification Criteria 13 December 2019. Collection method: clinical testing. Allele origin: germline.
Comment: This variant was observed in the ICSL laboratory as part of a predisposition screen in an ostensibly healthy population. It had not been previously curated by ICSL or reported in the Human Gene Mutation Database (HGMD: prior to June 1st, 2018), and was therefore a candidate for classification through an automated scoring system. Utilizing variant allele frequency, disease prevalence and penetrance estimates, and inheritance mode, an automated score was calculated to assess if this variant is too frequent to cause the disease. Based on the score and internal cut-off values, a variant classified as likely benign is not then subjected to further curation. The score for this variant resulted in a classification of likely benign for this disease.

Illumina Laboratory Services, Illumina
Classification: Uncertain significance for Retinitis pigmentosa. Last evaluated: 2018-01-13. Review status: criteria provided, single submitter. Criteria: ICSL Variant Classification Criteria 13 December 2019. Collection method: clinical testing. Allele origin: germline.

Illumina Laboratory Services, Illumina
Classification: Likely benign for Cone-rod dystrophy 12. Last evaluated: 2018-01-13. Review status: criteria provided, single submitter. Criteria: ICSL Variant Classification Criteria 13 December 2019. Collection method: clinical testing. Allele origin: germline.
Comment: the same text as in the submission from Illumina Laboratory Services, Illumina above.

NM_006017.3(PROM1):c.276+15G>T

Gene: PROM1 (prominin 1; minus strand). Cytogenetic location: 4p15.32.
Variant type: single nucleotide variant.
Coding change: c.276+15G>T on transcript NM_006017.3 (MANE Select); 15 bases into the intron after coding-DNA position 276, G replaced by T.
Molecular consequence: intron variant.
Genome position (GRCh38, 1-based): chr4:16,038,931, C>A on the plus strand (G>T on the coding strand, the complement: PROM1 is on the minus strand). VCF-style: chr4-16038931-C-A. GRCh37 (hg19) VCF-style: chr4-16040554-C-A.
Other names: c.276+15G>T (NM_001145848.2, NM_001145852.2, NM_001145847.2 and 6 more transcripts).
Identifiers: ClinVar variation 348008 (VCV000348008.5), dbSNP rs766012920, ClinGen allele CA2867130.